The following is an entry in ClinVar:

NM_006017.3(PROM1):c.2351G>A (p.Cys784Tyr)

Gene: PROM1 (prominin 1; minus strand). Cytogenetic location: 4p15.32.
Variant type: single nucleotide variant.
Coding change: c.2351G>A on transcript NM_006017.3 (MANE Select); coding-DNA position 2351, G replaced by A.
Protein change: p.Cys784Tyr; replaces cysteine 784 with tyrosine.
Molecular consequence: missense variant.
Genome position (GRCh38, 1-based): chr4:15,984,285, C>T on the plus strand (G>A on the coding strand, the complement: PROM1 is on the minus strand). VCF-style: chr4-15984285-C-T. GRCh37 (hg19) VCF-style: chr4-15985908-C-T.
Other names: c.2351G>A, p.Cys784Tyr (NM_001145850.2, NM_001145849.2); c.2324G>A, p.Cys775Tyr (NM_001145851.2, NM_001145847.2, NM_001145848.2 and 4 more transcripts); short protein forms C775Y, C784Y.
Identifiers: ClinVar variation 2008090 (VCV002008090.4), dbSNP rs2474987052, ClinGen allele CA356426923.
Genomic context (GRCh38, chr4:15,984,285, plus strand): 5'-GGATTCATTGTGTCTTCTTTTGAAAGATGAAATCTTACCAAGGGGTCGATAATGTAGCTA[C>T]ACAGAAAGACATCAACAGCAGTATCTAGAGCGGTGGCCACAGGTTTGCACGATGCCACTT-3'
Protein context (NP_006008.1, residues 774-794): ALDTAVDVFL[Cys784Tyr]SYIIDPLNLF

ClinVar aggregate classification (germline): Uncertain significance (1 of 4 stars; one submission).

Submission:

Labcorp Genetics (formerly Invitae), Labcorp
Classification: Uncertain significance. Last evaluated: 2025-07-28. Review status: criteria provided, single submitter. Criteria: Invitae Variant Classification Sherloc (09022015). Collection method: clinical testing. Allele origin: germline.
Comment: This sequence change replaces cysteine, which is neutral and slightly polar, with tyrosine, which is neutral and polar, at codon 784 of the PROM1 protein (p.Cys784Tyr). This variant is not present in population databases (gnomAD no frequency). This variant has not been reported in the literature in individuals affected with PROM1-related conditions. ClinVar contains an entry for this variant (Variation ID: 2008090). Invitae Evidence Modeling of protein sequence and biophysical properties (such as structural, functional, and spatial information, amino acid conservation, physicochemical variation, residue mobility, and thermodynamic stability) indicates that this missense variant is expected to disrupt PROM1 protein function with a positive predictive value of 80%. In summary, the available evidence is currently insufficient to determine the role of this variant in disease. Therefore, it has been classified as a Variant of Uncertain Significance.